The following is an entry in ClinVar:

ClinVar aggregate classification (germline): Uncertain significance (1 of 4 stars; one submission).

gnomAD v4.1: 2 of 1,551,462 alleles (0.00013%); highest among the groups gnomAD compares: African/African-American, 0.0027%; no homozygotes.

Submission:

GeneDx
Classification: Uncertain significance. Last evaluated: 2024-11-26. Review status: criteria provided, single submitter. Criteria: GeneDx Variant Classification Process June 2021. Collection method: clinical testing. Allele origin: germline. Affected: yes.
Comment: Not observed at significant frequency in large population cohorts (gnomAD); In silico analysis supports that this missense variant has a deleterious effect on protein structure/function; Has not been previously published as pathogenic or benign to our knowledge

NM_001353345.2(SETD1B):c.844C>G (p.Pro282Ala)

Gene: SETD1B (SET domain containing 1B, histone lysine methyltransferase; plus strand). Cytogenetic location: 12q24.31.
Variant type: single nucleotide variant.
Coding change: c.844C>G on transcript NM_001353345.2 (MANE Select); coding-DNA position 844, C replaced by G.
Protein change: p.Pro282Ala; replaces proline 282 with alanine.
Molecular consequence: missense variant.
Genome position (GRCh38, 1-based): chr12:121,809,789, C>G. VCF-style: chr12-121809789-C-G. GRCh37 (hg19) VCF-style: chr12-122247695-C-G.
Other names: short protein forms P282A.
Identifiers: ClinVar variation 3900153 (VCV003900153.1).